The following is an entry in ClinVar:

ClinVar aggregate classification (germline): Uncertain significance (1 of 4 stars; one submission).

Conditions:
Primary dilated cardiomyopathy (DCM). Also called: Dilated Cardiomyopathy. Identifiers: Orphanet 217604, MedGen C0007193, MeSH D002311, MONDO:0005021, HP:0001644. Inheritance: Various modes of inheritance.

gnomAD v4.1: 2 of 1,611,456 alleles (0.00012%); highest among the groups gnomAD compares: Non-Finnish European, 0.00017%; no homozygotes.

Submission:

Diagnostics Services (NGS), CSIR - Centre For Cellular And Molecular Biology
Classification: Uncertain significance for Primary dilated cardiomyopathy. Last evaluated: 2022-07-28. Review status: criteria provided, single submitter. Criteria: ACMG Guidelines, 2015. Collection method: clinical testing. Allele origin: unknown. Affected: yes. Observed: 1 variant allele, 1 heterozygote.
Comment: The c.3779G>A variant is not present in publicly available population databases like 1000 Genomes, Exome Variant Server (EVS), Exome Aggregation Consortium (ExAC), Genome Aggregation Database (gnomAD) and Indian Exome Database. The variant is not present in our in-house exome database. This variant has not been reported to ClinVar, Human Genome Mutation Database (HGMD) and/or OMIM databases, in any affected individuals. In-silico pathogenicity prediction programs like SIFT, Polyphen-2, MutationTaster2, CADD etc. predicted this variant to be likely deleterious, however these predictions were not confirmed by any published functional studies.

Literature cited by the submitters: PubMed 24088304.

NM_001281740.3(FHOD3):c.4304G>A (p.Cys1435Tyr)

Gene: FHOD3 (formin homology 2 domain containing 3; plus strand). Cytogenetic location: 18q12.2.
Variant type: single nucleotide variant.
Coding change: c.4304G>A on transcript NM_001281740.3 (MANE Select); coding-DNA position 4304, G replaced by A.
Protein change: p.Cys1435Tyr; replaces cysteine 1435 with tyrosine.
Molecular consequence: missense variant.
Genome position (GRCh38, 1-based): chr18:36,755,190, G>A. VCF-style: chr18-36755190-G-A. GRCh37 (hg19) VCF-style: chr18-34335153-G-A.
Other names: c.3728G>A, p.Cys1243Tyr (NM_001281739.3); c.3779G>A, p.Cys1260Tyr (NM_025135.5); short protein forms C1243Y, C1260Y, C1435Y.
Identifiers: ClinVar variation 1802217 (VCV001802217.3), dbSNP rs2522012964, ClinGen allele CA402226738.